The following is an entry in ClinVar:

ClinVar aggregate classification (germline): Conflicting classifications of pathogenicity. Review status: criteria provided, conflicting classifications (1 of 4 stars). 3 submissions from 3 submitters: Uncertain significance (2); Likely benign (1). Last evaluated 2026-03-05.

Conditions:
Osteogenesis imperfecta type I (OI1). Also called: Osteogenesis imperfecta type 1; Lobstein's Disease; Lobstein disease; OI, TYPE I; OSTEOGENESIS IMPERFECTA TARDA; OSTEOGENESIS IMPERFECTA WITH BLUE SCLERAE. Identifiers: Orphanet 216796, Orphanet 666, MedGen C0023931, MONDO:0008146, OMIM 166200. Disease mechanism: loss of function.

gnomAD v4.1: 5 of 1,612,478 alleles (0.00031%); highest among the groups gnomAD compares: Non-Finnish European, 0.00034%; no homozygotes.

Submissions (3):

Women's Health and Genetics/Laboratory Corporation of America, LabCorp
Classification: Uncertain significance. Last evaluated: 2026-03-05. Review status: criteria provided, single submitter. Criteria: LabCorp Variant Classification Summary - May 2015. Collection method: clinical testing. Allele origin: germline.
Comment: Variant summary: COL1A1 c.2762A>T (p.Glu921Val) results in a non-conservative amino acid change in the encoded protein sequence. Algorithms developed to predict the effect of missense changes on protein structure and function all suggest that this variant is likely to be disruptive. The variant allele was found at a frequency of 4e-06 in 250366 control chromosomes. The available data on variant occurrences in the general population are insufficient to allow any conclusion about variant significance. To our knowledge, no occurrence of c.2762A>T in individuals affected with COL1A1-related conditions and no experimental evidence demonstrating its impact on protein function have been reported. ClinVar contains an entry for this variant (Variation ID: 4542195). Based on the evidence outlined above, the variant was classified as uncertain significance.

Mayo Clinic Laboratories, Mayo Clinic
Classification: Uncertain significance. Last evaluated: 2025-08-17. Review status: criteria provided, single submitter. Criteria: ACMG Guidelines, 2015. Collection method: clinical testing. Allele origin: germline. Observed: 1 variant allele.
Comment: PP2, PP3_moderate, PM2_supporting

Labcorp Genetics (formerly Invitae), Labcorp
Classification: Likely benign for Osteogenesis imperfecta type I. Last evaluated: 2025-08-02. Review status: criteria provided, single submitter. Criteria: Invitae Variant Classification Sherloc (09022015). Collection method: clinical testing. Allele origin: germline.

NM_000088.4(COL1A1):c.2762A>T (p.Glu921Val)

Gene: COL1A1 (collagen type I alpha 1 chain; minus strand). Cytogenetic location: 17q21.33.
Variant type: single nucleotide variant.
Coding change: c.2762A>T on transcript NM_000088.4 (MANE Select); coding-DNA position 2762, A replaced by T.
Protein change: p.Glu921Val; replaces glutamic acid 921 with valine.
Molecular consequence: missense variant.
Genome position (GRCh38, 1-based): chr17:50,189,444, T>A on the plus strand (A>T on the coding strand, the complement: COL1A1 is on the minus strand). VCF-style: chr17-50189444-T-A. GRCh37 (hg19) VCF-style: chr17-48266805-T-A.
Other names: p.Glu921Val; p.(Glu921Val); short protein forms E921V.
Identifiers: ClinVar variation 4542195 (VCV004542195.3).